The following is an entry in ClinVar:

NM_001112741.2(KCNC1):c.688G>C (p.Gly230Arg)

Gene: KCNC1 (potassium voltage-gated channel subfamily C member 1; plus strand). Cytogenetic location: 11p15.1.
Variant type: single nucleotide variant.
Coding change: c.688G>C on transcript NM_001112741.2 (MANE Select); coding-DNA position 688, G replaced by C.
Protein change: p.Gly230Arg; replaces glycine 230 with arginine.
Molecular consequence: missense variant.
Genome position (GRCh38, 1-based): chr11:17,771,782, G>C. VCF-style: chr11-17771782-G-C. GRCh37 (hg19) VCF-style: chr11-17793329-G-C.
Other names: c.688G>C, p.Gly230Arg (NM_004976.4); short protein forms G230R.
Identifiers: ClinVar variation 1490969 (VCV001490969.8), dbSNP rs1323463103, ClinGen allele CA379805805.

ClinVar aggregate classification (germline): Uncertain significance (1 of 4 stars; one submission).

Conditions:
Progressive myoclonic epilepsy type 7. Identifiers: Orphanet 435438, MedGen C4015420, MONDO:0014521, OMIM 616187.

Allele frequency attached by ClinVar (database versions not stated): TOPMed 0.00001; gnomAD 0.00002.
gnomAD v4.1: 3 of 1,614,114 alleles (0.00019%); highest among the groups gnomAD compares: African/African-American, 0.004%; no homozygotes.

Submission:

Labcorp Genetics (formerly Invitae), Labcorp
Classification: Uncertain significance for Progressive myoclonic epilepsy type 7. Last evaluated: 2025-11-09. Review status: criteria provided, single submitter. Criteria: Invitae Variant Classification Sherloc (09022015). Collection method: clinical testing. Allele origin: germline.
Comment: This sequence change replaces glycine, which is neutral and non-polar, with arginine, which is basic and polar, at codon 230 of the KCNC1 protein (p.Gly230Arg). This variant is present in population databases (no rsID available, gnomAD 0.01%). This variant has not been reported in the literature in individuals affected with KCNC1-related conditions. ClinVar contains an entry for this variant (Variation ID: 1490969). Invitae Evidence Modeling of protein sequence and biophysical properties (such as structural, functional, and spatial information, amino acid conservation, physicochemical variation, residue mobility, and thermodynamic stability) indicates that this missense variant is not expected to disrupt KCNC1 protein function with a negative predictive value of 95%. In summary, the available evidence is currently insufficient to determine the role of this variant in disease. Therefore, it has been classified as a Variant of Uncertain Significance.